The following is an entry in ClinVar:

NM_001367721.1(CASK):c.937T>A (p.Ser313Thr)

Gene: CASK (calcium/calmodulin dependent serine protein kinase; minus strand). Cytogenetic location: Xp11.4.
Variant type: single nucleotide variant.
Coding change: c.937T>A on transcript NM_001367721.1 (MANE Select); coding-DNA position 937, T replaced by A.
Protein change: p.Ser313Thr; replaces serine 313 with threonine.
Molecular consequence: missense variant.
Genome position (GRCh38, 1-based): chrX:41,626,682, A>T on the plus strand (T>A on the coding strand, the complement: CASK is on the minus strand). VCF-style: chrX-41626682-A-T. GRCh37 (hg19) VCF-style: chrX-41485935-A-T.
Other names: c.937T>A, p.Ser313Thr (NM_001126054.3, NM_001126055.3, NM_001410745.1 and 1 more transcripts); short protein forms S313T.
Identifiers: ClinVar variation 589835 (VCV000589835.13), dbSNP rs755594972, ClinGen allele CA10390310.

ClinVar aggregate classification (germline): Conflicting classifications of pathogenicity. Review status: criteria provided, conflicting classifications (1 of 4 stars). 2 submissions from 2 submitters: Uncertain significance (1); Benign (1). Last evaluated 2024-03-06.

Conditions:
Inborn genetic diseases. Identifiers: MedGen C0950123, MeSH D030342.
Intellectual disability, CASK-related, X-linked. Identifiers: MedGen CN043158.

Allele frequency attached by ClinVar (database versions not stated): gnomAD exomes 0.00002 and 0.00003; gnomAD 0.00004; ExAC 0.00005; 1000 Genomes Project 0.00026; 1000 Genomes Project 30x 0.00042.
gnomAD v4.1: 25 of 1,195,012 alleles (0.0021%); highest among the groups gnomAD compares: South Asian, 0.044%; no homozygotes.

Submissions (2):

Labcorp Genetics (formerly Invitae), Labcorp
Classification: Benign for Intellectual disability, CASK-related, X-linked. Last evaluated: 2024-03-06. Review status: criteria provided, single submitter. Criteria: Invitae Variant Classification Sherloc (09022015). Collection method: clinical testing. Allele origin: germline.

Ambry Genetics
Classification: Uncertain significance for Inborn genetic diseases. Last evaluated: 2017-06-05. Review status: criteria provided, single submitter. Criteria: Ambry Variant Classification Scheme 2023. Collection method: clinical testing. Allele origin: germline.
Comment: The p.S313T variant (also known as c.937T>A), located in coding exon 10 of the CASK gene, results from a T to A substitution at nucleotide position 937. The serine at codon 313 is replaced by threonine, an amino acid with similar properties. This amino acid position is highly conserved in available vertebrate species. In addition, the in silico prediction for this alteration is inconclusive. Since supporting evidence is limited at this time, the clinical significance of this alteration remains unclear.